The following is an entry in ClinVar:

NM_007255.3(B4GALT7):c.697C>T (p.Arg233Trp)

Gene: B4GALT7 (beta-1,4-galactosyltransferase 7; plus strand). Cytogenetic location: 5q35.3.
Variant type: single nucleotide variant.
Coding change: c.697C>T on transcript NM_007255.3 (MANE Select); coding-DNA position 697, C replaced by T.
Protein change: p.Arg233Trp; replaces arginine 233 with tryptophan.
Molecular consequence: missense variant.
Genome position (GRCh38, 1-based): chr5:177,608,596, C>T. VCF-style: chr5-177608596-C-T. GRCh37 (hg19) VCF-style: chr5-177035597-C-T.
Other names: p.Arg233Trp; short protein forms R233W.
Identifiers: ClinVar variation 798136 (VCV000798136.20), dbSNP rs147617631, ClinGen allele CA3586636.

ClinVar aggregate classification (germline): Conflicting classifications of pathogenicity. Review status: criteria provided, conflicting classifications (1 of 4 stars). 4 submissions from 4 submitters: Uncertain significance (2); Likely benign (2). Last evaluated 2026-02-01.

Conditions:
Spondylodysplastic Ehlers-Danlos syndrome. Identifiers: Orphanet 536471, Orphanet 75496, MedGen C5680154, MONDO:0007526.

Allele frequency attached by ClinVar (database versions not stated): gnomAD 0.00006; ESP Exome Variant Server 0.00015; ExAC 0.00024; TOPMed 0.00026; gnomAD exomes 0.00039.
gnomAD v4.1: 281 of 1,613,814 alleles (0.017%); highest among the groups gnomAD compares: Admixed American, 0.14%; no homozygotes.

Submissions (4):

Labcorp Genetics (formerly Invitae), Labcorp
Classification: Likely benign for Spondylodysplastic Ehlers-Danlos syndrome. Last evaluated: 2026-02-01. Review status: criteria provided, single submitter. Criteria: Invitae Variant Classification Sherloc (09022015). Collection method: clinical testing. Allele origin: germline.

Women's Health and Genetics/Laboratory Corporation of America, LabCorp
Classification: Likely benign. Last evaluated: 2025-07-02. Review status: criteria provided, single submitter. Criteria: LabCorp Variant Classification Summary - May 2015. Collection method: clinical testing. Allele origin: germline.
Comment: Variant summary: B4GALT7 c.697C>T (p.Arg233Trp) results in a non-conservative amino acid change in the encoded protein sequence. Algorithms developed to predict the effect of missense changes on protein structure and function are either unavailable or do not agree on the potential impact of this missense change. The variant allele was found at a frequency of 0.00039 in 250822 control chromosomes, predominantly at a frequency of 0.0021 within the Latino subpopulation in the gnomAD database. The observed variant frequency within Latino control individuals in the gnomAD database is approximately 2 fold of the estimated maximal expected allele frequency for a pathogenic variant in B4GALT7 causing Spondylodysplastic Ehlers-Danlos syndrome phenotype (0.0011). To our knowledge, no occurrence of c.697C>T in individuals affected with Spondylodysplastic Ehlers-Danlos syndrome and no experimental evidence demonstrating its impact on protein function have been reported. ClinVar contains an entry for this variant (Variation ID: 798136). Based on the evidence outlined above, the variant was classified as likely benign.

Mayo Clinic Laboratories, Mayo Clinic
Classification: Uncertain significance. Last evaluated: 2025-03-21. Review status: criteria provided, single submitter. Criteria: ACMG Guidelines, 2015. Collection method: clinical testing. Allele origin: germline. Observed: 3 variant alleles.
Comment: BS1

GeneDx
Classification: Uncertain significance. Last evaluated: 2025-02-18. Review status: criteria provided, single submitter. Criteria: GeneDx Variant Classification Process June 2021. Collection method: clinical testing. Allele origin: germline. Affected: yes.
Comment: In silico analysis supports that this missense variant has a deleterious effect on protein structure/function; Has not been previously published as pathogenic or benign to our knowledge